The following is an entry in ClinVar:

ClinVar aggregate classification (germline): Conflicting classifications of pathogenicity. Review status: criteria provided, conflicting classifications (1 of 4 stars). 3 submissions from 3 submitters: Uncertain significance (2); Benign (1). Last evaluated 2025-08-22.

Conditions:
Inborn genetic diseases. Identifiers: MedGen C0950123, MeSH D030342.
Neuropathy, hereditary sensory, type 2C. Also called: KIF1A-Related HSAN2 (HSAN2C); Hereditary sensory and autonomic neuropathy type IIC. Identifiers: Orphanet 970, MedGen C3280168, MONDO:0013634, OMIM 614213.
Intellectual disability, autosomal dominant 9 (NESCAVS). Also called: NESCAV SYNDROME; KIF1A-Related Neurodevelopmental Disorder. Identifiers: Orphanet 662367, MedGen C5393830, MONDO:0013656, OMIM 614255.
Hereditary spastic paraplegia 30. Identifiers: Orphanet 101010, MedGen C5235139, MONDO:0012476.

Allele frequency attached by ClinVar (database versions not stated): gnomAD exomes 0.00005 and 0.00007; TOPMed 0.00005; ExAC 0.00008; ESP Exome Variant Server 0.00008; gnomAD 0.00010 and 0.00011.
gnomAD v4.1: 120 of 1,588,090 alleles (0.0076%); highest among the groups gnomAD compares: African/African-American, 0.024%; no homozygotes.

Submissions (3):

Labcorp Genetics (formerly Invitae), Labcorp
Classification: Benign for Hereditary spastic paraplegia 30; Neuropathy, hereditary sensory, type 2C; Intellectual disability, autosomal dominant 9. Last evaluated: 2025-08-22. Review status: criteria provided, single submitter. Criteria: Invitae Variant Classification Sherloc (09022015). Collection method: clinical testing. Allele origin: germline.

GeneDx
Classification: Uncertain significance. Last evaluated: 2025-04-03. Review status: criteria provided, single submitter. Criteria: GeneDx Variant Classification Process June 2021. Collection method: clinical testing. Allele origin: germline. Affected: yes.
Comment: In silico analysis indicates that this missense variant does not alter protein structure/function; This variant is associated with the following publications: (PMID: 25363768, 31133750, 35051175, 35982160, 28867142, 35982159)

Ambry Genetics
Classification: Uncertain significance for Inborn genetic diseases. Last evaluated: 2023-09-26. Review status: criteria provided, single submitter. Criteria: Ambry Variant Classification Scheme 2023. Collection method: clinical testing. Allele origin: germline.

NM_001244008.2(KIF1A):c.3671G>A (p.Arg1224Gln)

Gene: KIF1A (kinesin family member 1A; minus strand). Cytogenetic location: 2q37.3.
Variant type: single nucleotide variant.
Coding change: c.3671G>A on transcript NM_001244008.2 (MANE Select); coding-DNA position 3671, G replaced by A.
Protein change: p.Arg1224Gln; replaces arginine 1224 with glutamine.
Molecular consequence: missense variant.
Genome position (GRCh38, 1-based): chr2:240,741,347, C>T on the plus strand (G>A on the coding strand, the complement: KIF1A is on the minus strand). VCF-style: chr2-240741347-C-T. GRCh37 (hg19) VCF-style: chr2-241680764-C-T.
Other names: c.3395G>A, p.Arg1132Gln (NM_001320705.2, NM_001330289.2, NM_001379638.1); c.3470G>A, p.Arg1157Gln (NM_001330290.2, NM_001379634.1, NM_001379635.1 and 1 more transcripts); c.3746G>A, p.Arg1249Gln (NM_001379631.1); c.3620G>A, p.Arg1207Gln (NM_001379632.1); c.3644G>A, p.Arg1215Gln (NM_001379633.1, NM_001379642.1, NM_001379645.1); c.3368G>A, p.Arg1123Gln (NM_001379636.1, NM_001379639.1, NM_001379641.1 and 5 more transcripts); c.3443G>A, p.Arg1148Gln (NM_001379637.1, NM_001379648.1); c.3365G>A, p.Arg1122Gln (NM_001379640.1); short protein forms R1123Q, R1224Q, R1132Q, R1157Q, R1122Q, R1148Q, R1207Q, R1215Q.
Identifiers: ClinVar variation 575754 (VCV000575754.18), dbSNP rs375993206, ClinGen allele CA2207705.